The following is an entry in ClinVar:

NM_001366110.1(PAX4):c.771+5T>G

Gene: PAX4 (paired box 4; minus strand). Cytogenetic location: 7q32.1.
Variant type: single nucleotide variant.
Coding change: c.771+5T>G on transcript NM_001366110.1 (MANE Select); 5 bases into the intron after coding-DNA position 771, T replaced by G.
Molecular consequence: intron variant.
Genome position (GRCh38, 1-based): chr7:127,611,940, A>C on the plus strand (T>G on the coding strand, the complement: PAX4 is on the minus strand). VCF-style: chr7-127611940-A-C. GRCh37 (hg19) VCF-style: chr7-127251994-A-C.
Other names: c.771+5T>G (NM_001366111.1).
Identifiers: ClinVar variation 4702395 (VCV004702395.1).
Genomic context (GRCh38, chr7:127,611,940, plus strand): 5'-AAATGGAAGAGCCCATGAGCCCTTCAGTCTTCCCAGGGCACAGACTCCCCTCTCCTCCCG[A>C]GTACCTGTGCAGAGATGATTCCTGGGGCAACCCTTGGTACAGTCAGCCCCTGGGAAGCAC-3'

ClinVar aggregate classification (germline): Uncertain significance (1 of 4 stars; one submission).

Submission:

Labcorp Genetics (formerly Invitae), Labcorp
Classification: Uncertain significance. Last evaluated: 2025-06-04. Review status: criteria provided, single submitter. Criteria: Invitae Variant Classification Sherloc (09022015). Collection method: clinical testing. Allele origin: germline.
Comment: This sequence change falls in intron 7 of the PAX4 gene. It does not directly change the encoded amino acid sequence of the PAX4 protein. It affects a nucleotide within the consensus splice site. This variant is not present in population databases (gnomAD no frequency). This variant has not been reported in the literature in individuals affected with PAX4-related conditions. Variants that disrupt the consensus splice site are a relatively common cause of aberrant splicing (PMID: 17576681, 9536098). Algorithms developed to predict the effect of sequence changes on RNA splicing suggest that this variant is not likely to affect RNA splicing. In summary, the available evidence is currently insufficient to determine the role of this variant in disease. Therefore, it has been classified as a Variant of Uncertain Significance.

Literature cited by the submitters: PubMed 17576681; PubMed 9536098.